The following is an entry in ClinVar:

ClinVar aggregate classification (germline): Uncertain significance. Review status: criteria provided, multiple submitters, no conflicts (2 of 4 stars). 2 submissions from 2 submitters: Uncertain significance (2). Last evaluated 2024-09-08.

Conditions:
Neuropathy, hereditary sensory and autonomic, type 2A (HSAN2A). Also called: WNK1-Related HSAN2 (HSAN2A); ACROOSTEOLYSIS, GIACCAI TYPE; ACROOSTEOLYSIS, NEUROGENIC; HSAN IIA; MORVAN DISEASE; NEUROPATHY, CONGENITAL SENSORY. Identifiers: Orphanet 970, MedGen C2752089, MONDO:0024309, OMIM 201300.
Pseudohypoaldosteronism type 2C (PHA2C). Also called: Pseudohypoaldosteronism Type IIC. Identifiers: Orphanet 757, Orphanet 88940, MedGen C1840391, MONDO:0013778, OMIM 614492.

Allele frequency attached by ClinVar (database versions not stated): gnomAD exomes 0.00001; ExAC 0.00002; TOPMed 0.00002; gnomAD 0.00005 and 0.00006; 1000 Genomes Project 30x 0.00031; 1000 Genomes Project 0.00040.
gnomAD v4.1: 12 of 1,614,208 alleles (0.00074%); highest among the groups gnomAD compares: African/African-American, 0.016%; no homozygotes.

Submissions (2):

Labcorp Genetics (formerly Invitae), Labcorp
Classification: Uncertain significance for Neuropathy, hereditary sensory and autonomic, type 2A; Pseudohypoaldosteronism type 2C. Last evaluated: 2024-09-08. Review status: criteria provided, single submitter. Criteria: Invitae Variant Classification Sherloc (09022015). Collection method: clinical testing. Allele origin: germline.
Comment: This sequence change replaces valine, which is neutral and non-polar, with leucine, which is neutral and non-polar, at codon 2458 of the WNK1 protein (p.Val2458Leu). This variant is present in population databases (rs141160595, gnomAD 0.02%). This variant has not been reported in the literature in individuals affected with WNK1-related conditions. ClinVar contains an entry for this variant (Variation ID: 646089). Invitae Evidence Modeling of protein sequence and biophysical properties (such as structural, functional, and spatial information, amino acid conservation, physicochemical variation, residue mobility, and thermodynamic stability) indicates that this missense variant is not expected to disrupt WNK1 protein function with a negative predictive value of 95%. In summary, the available evidence is currently insufficient to determine the role of this variant in disease. Therefore, it has been classified as a Variant of Uncertain Significance.

Women's Health and Genetics/Laboratory Corporation of America, LabCorp
Classification: Uncertain significance. Last evaluated: 2022-12-28. Review status: criteria provided, single submitter. Criteria: LabCorp Variant Classification Summary - May 2015. Collection method: clinical testing. Allele origin: germline.
Comment: Variant summary: WNK1 c.6616G>C (p.Val2206Leu) results in a conservative amino acid change in the encoded protein sequence. Four of five in-silico tools predict a benign effect of the variant on protein function. The variant allele was found at a frequency of 1.2e-05 in 251438 control chromosomes. The available data on variant occurrences in the general population are insufficient to allow any conclusion about variant significance. To our knowledge, no occurrence of c.6616G>C in individuals affected with Neuropathy, Hereditary Sensory And Autonomic, Type 2A and no experimental evidence demonstrating its impact on protein function have been reported. One clinical diagnostic laboratory has submitted a clinical-significance assessment for this variant to ClinVar after 2014 without evidence for independent evaluation, and classified the variant as uncertain significance. Based on the evidence outlined above, the variant was classified as uncertain significance.

NM_018979.4(WNK1):c.6616G>C (p.Val2206Leu)

Gene: WNK1 (WNK lysine deficient protein kinase 1; plus strand). Cytogenetic location: 12p13.33.
Variant type: single nucleotide variant.
Coding change: c.6616G>C on transcript NM_018979.4 (MANE Select); coding-DNA position 6616, G replaced by C.
Protein change: p.Val2206Leu; replaces valine 2206 with leucine.
Molecular consequence: missense variant.
Genome position (GRCh38, 1-based): chr12:900,643, G>C. VCF-style: chr12-900643-G-C. GRCh37 (hg19) VCF-style: chr12-1009809-G-C.
Other names: c.7396G>C, p.Val2466Leu (NM_001184985.2); c.5872G>C, p.Val1958Leu (NM_014823.3); c.7372G>C, p.Val2458Leu (NM_213655.5); short protein forms V2206L, V2458L, V2466L, V1958L.
Identifiers: ClinVar variation 646089 (VCV000646089.12), dbSNP rs141160595, ClinGen allele CA6383439.